The following is an entry in ClinVar:

NM_017617.5(NOTCH1):c.3442G>A (p.Glu1148Lys)

Gene: NOTCH1 (notch receptor 1; minus strand). Cytogenetic location: 9q34.3.
Variant type: single nucleotide variant.
Coding change: c.3442G>A on transcript NM_017617.5 (MANE Select); coding-DNA position 3442, G replaced by A.
Protein change: p.Glu1148Lys; replaces glutamic acid 1148 with lysine.
Molecular consequence: missense variant.
Genome position (GRCh38, 1-based): chr9:136,508,023, C>T on the plus strand (G>A on the coding strand, the complement: NOTCH1 is on the minus strand). VCF-style: chr9-136508023-C-T. GRCh37 (hg19) VCF-style: chr9-139402475-C-T.
Other names: c.3442G>A, p.Glu1148Lys (LRG_1122t1); short protein forms E1148K.
Identifiers: ClinVar variation 409062 (VCV000409062.9), dbSNP rs1060502239, ClinGen allele CA16612584.

ClinVar aggregate classification (germline): Uncertain significance. Review status: criteria provided, multiple submitters, no conflicts (2 of 4 stars). 2 submissions from 2 submitters: Uncertain significance (2). Last evaluated 2026-06-23.

Conditions:
Familial thoracic aortic aneurysm and aortic dissection (TAAD). Also called: Thoracic aortic aneurysms and dissections. Identifiers: Orphanet 91387, MedGen C4707243, MONDO:0019625.
Adams-Oliver syndrome 5 (AOS5). Identifiers: Orphanet 974, MedGen C4014970, MONDO:0014459, OMIM 616028.

Allele frequency attached by ClinVar (database versions not stated): gnomAD exomes 0.00001 and below 0.00001; gnomAD 0.00001; TOPMed below 0.00001.
gnomAD v4.1: 12 of 1,612,326 alleles (0.00074%); highest among the groups gnomAD compares: African/African-American, 0.0013%; no homozygotes.

Submissions (2):

Ambry Genetics
Classification: Uncertain significance for Familial thoracic aortic aneurysm and aortic dissection. Last evaluated: 2026-06-23. Review status: criteria provided, single submitter. Criteria: Ambry Variant Classification Scheme 2023. Collection method: clinical testing. Allele origin: germline.

Labcorp Genetics (formerly Invitae), Labcorp
Classification: Uncertain significance for Adams-Oliver syndrome 5. Last evaluated: 2024-05-01. Review status: criteria provided, single submitter. Criteria: Invitae Variant Classification Sherloc (09022015). Collection method: clinical testing. Allele origin: germline.
Comment: This sequence change replaces glutamic acid, which is acidic and polar, with lysine, which is basic and polar, at codon 1148 of the NOTCH1 protein (p.Glu1148Lys). The frequency data for this variant in the population databases is considered unreliable, as metrics indicate poor data quality at this position in the gnomAD database. This variant has not been reported in the literature in individuals affected with NOTCH1-related conditions. ClinVar contains an entry for this variant (Variation ID: 409062). Advanced modeling of protein sequence and biophysical properties (such as structural, functional, and spatial information, amino acid conservation, physicochemical variation, residue mobility, and thermodynamic stability) has been performed at Invitae for this missense variant, however the output from this modeling did not meet the statistical confidence thresholds required to predict the impact of this variant on NOTCH1 protein function. In summary, the available evidence is currently insufficient to determine the role of this variant in disease. Therefore, it has been classified as a Variant of Uncertain Significance.